The following is an entry in ClinVar:

NM_001277115.2(DNAH11):c.8407_8416del (p.Asp2803fs)

Gene: DNAH11 (dynein axonemal heavy chain 11; plus strand). Cytogenetic location: 7p15.3.
Variant type: Deletion.
Coding change: c.8407_8416del on transcript NM_001277115.2 (MANE Select); coding-DNA positions 8407 to 8416, 10 bases deleted (GACTGGGAAG; older notation c.8407_8416delGACTGGGAAG).
Protein change: p.Asp2803fs; shifts the reading frame from aspartic acid 2803.
Molecular consequence: frameshift variant.
Genome position (GRCh38, 1-based): chr7:21,744,960-21,744,969, GACTGGGAAG deleted; deleting any 10 consecutive bases within chr7:21,744,956-21,744,969 gives the same sequence; the c. name uses the placement nearest the transcript's 3' end. VCF-style (leftmost placement, unchanged base first): chr7-21744955-TGAAGGACTGG-T. GRCh37 (hg19) VCF-style: chr7-21784573-TGAAGGACTGG-T.
Other names: c.8428_8437delGACTGGGAAG, p.Asp2810Cysfs (NM_003777.3); short protein forms D2803fs.
Identifiers: ClinVar variation 2726610 (VCV002726610.3), dbSNP rs2535119185, ClinGen allele CA2697557156.

ClinVar aggregate classification (germline): Pathogenic (1 of 4 stars; one submission).

Conditions:
Primary ciliary dyskinesia. Also called: Ciliary dyskinesia. Identifiers: Orphanet 244, MedGen C0008780, MONDO:0016575, HP:0012265.

Submission:

Labcorp Genetics (formerly Invitae), Labcorp
Classification: Pathogenic for Primary ciliary dyskinesia. Last evaluated: 2023-09-06. Review status: criteria provided, single submitter. Criteria: Invitae Variant Classification Sherloc (09022015). Collection method: clinical testing. Allele origin: germline.
Comment: For these reasons, this variant has been classified as Pathogenic. Algorithms developed to predict the effect of sequence changes on RNA splicing suggest that this variant may disrupt the consensus splice site. This variant has not been reported in the literature in individuals affected with DNAH11-related conditions. This variant is not present in population databases (gnomAD no frequency). This sequence change creates a premature translational stop signal (p.Asp2803Cysfs*2) in the DNAH11 gene. It is expected to result in an absent or disrupted protein product. Loss-of-function variants in DNAH11 are known to be pathogenic (PMID: 18022865, 20513915, 22184204).

Literature cited by the submitters: PubMed 18022865; PubMed 20513915; PubMed 22184204.